The following is an entry in ClinVar:

NM_172107.4(KCNQ2):c.2315del (p.Pro772fs)

Gene: KCNQ2 (potassium voltage-gated channel subfamily Q member 2; minus strand). Cytogenetic location: 20q13.33.
Variant type: Deletion.
Coding change: c.2315del on transcript NM_172107.4 (MANE Select); coding-DNA position 2315, one base deleted (C; older notation c.2315delC).
Protein change: p.Pro772fs; shifts the reading frame from proline 772.
Molecular consequence: frameshift variant.
Genome position (GRCh38, 1-based): chr20:63,406,948, G deleted on the plus strand (C on the coding strand, the reverse complement: KCNQ2 is on the minus strand); the first of 4 consecutive G bases (chr20:63,406,948-63,406,951); deleting any one gives the same sequence. VCF-style (leftmost placement, unchanged base first): chr20-63406947-CG-C. GRCh37 (hg19) VCF-style: chr20-62038300-CG-C.
Other names: c.2369del, p.Pro790fs (NM_001382235.1); c.2231del, p.Pro744fs (NM_004518.6); c.2261del, p.Pro754fs (NM_172106.3); c.2222del, p.Pro741fs (NM_172108.5); short protein forms P741fs, P744fs, P754fs, P772fs, P790fs.
Identifiers: ClinVar variation 995954 (VCV000995954.4), dbSNP rs2079959227, ClinGen allele CA1139666803.

ClinVar aggregate classification (germline): Pathogenic. Review status: criteria provided, multiple submitters, no conflicts (2 of 4 stars). 2 submissions from 2 submitters: Pathogenic (2). Last evaluated 2023-04-24.

Conditions:
Seizures, benign familial neonatal, 1. Also called: Benign Neonatal Epilepsy 1; KCNQ2-Related Self-Limited Familial Neonatal Epilepsy (SLFNE); Seizures, benign neonatal, 1; KCNQ2-Related Benign Familial Neonatal Epilepsy. Identifiers: Orphanet 1949, MedGen C3149074, MONDO:0007365, OMIM 121200.
Early-infantile DEE. Also called: Early infantile epileptic encephalopathy; Early infantile epileptic encephalopathy with suppression bursts; Ohtahara syndrome. Identifiers: Orphanet 1934, MedGen C0393706, MONDO:0800491.

Submissions (2):

Labcorp Genetics (formerly Invitae), Labcorp
Classification: Pathogenic for Early-infantile DEE. Last evaluated: 2023-04-24. Review status: criteria provided, single submitter. Criteria: Invitae Variant Classification Sherloc (09022015). Collection method: clinical testing. Allele origin: germline.
Comment: For these reasons, this variant has been classified as Pathogenic. This variant results in an extension of the KCNQ2 protein. Other variant(s) that result in a similarly extended protein product (p.Gly866Alafs*64) have been determined to be pathogenic (PMID: 10482260, 21937445). This suggests that these extensions are likely to be disease-causing. ClinVar contains an entry for this variant (Variation ID: 995954). This variant has not been reported in the literature in individuals affected with KCNQ2-related conditions. This variant is not present in population databases (gnomAD no frequency). This sequence change results in a frameshift in the KCNQ2 gene (p.Pro772Argfs*158). While this is not anticipated to result in nonsense mediated decay, it is expected to disrupt the last 101 amino acid(s) of the KCNQ2 protein and extend the protein by 56 additional amino acid residues.

Cytogénomique, Hospices Civils de Lyon
Classification: Pathogenic for Seizures, benign familial neonatal, 1. Review status: criteria provided, single submitter. Criteria: ACMG Guidelines, 2015. Collection method: clinical testing. Allele origin: de novo. Inheritance: Autosomal dominant inheritance. Affected: yes.

Literature cited by the submitters: PubMed 10482260 (cited by Labcorp Genetics (formerly Invitae), Labcorp); PubMed 21937445 (cited by Labcorp Genetics (formerly Invitae), Labcorp).